The following is an entry in ClinVar:

ClinVar aggregate classification (germline): Uncertain significance (1 of 4 stars; one submission).

Conditions:
Familial focal epilepsy with variable foci (FPEVF). Identifiers: Orphanet 98820, MedGen C1858477, MONDO:0020310.

Allele frequency attached by ClinVar (database versions not stated): gnomAD 0.00001.

Submission:

Labcorp Genetics (formerly Invitae), Labcorp
Classification: Uncertain significance for Familial focal epilepsy with variable foci. Last evaluated: 2019-12-12. Review status: criteria provided, single submitter. Criteria: Invitae Variant Classification Sherloc (09022015). Collection method: clinical testing. Allele origin: germline.
Comment: This variant is not present in population databases (ExAC no frequency). In summary, the available evidence is currently insufficient to determine the role of this variant in disease. Therefore, it has been classified as a Variant of Uncertain Significance. Algorithms developed to predict the effect of missense changes on protein structure and function are either unavailable or do not agree on the potential impact of this missense change (SIFT: "Tolerated"; PolyPhen-2: "Not Available"; Align-GVGD: "Class C0"). This variant has not been reported in the literature in individuals with DEPDC5-related conditions. This sequence change replaces methionine with isoleucine at codon 1469 of the DEPDC5 protein (p.Met1469Ile). The methionine residue is highly conserved and there is a small physicochemical difference between methionine and isoleucine.

NM_001242896.3(DEPDC5):c.4407G>A (p.Met1469Ile)

Gene: DEPDC5 (DEP domain containing 5, GATOR1 subcomplex subunit; plus strand). Cytogenetic location: 22q12.3.
Variant type: single nucleotide variant.
Coding change: c.4407G>A on transcript NM_001242896.3 (MANE Select); coding-DNA position 4407, G replaced by A.
Protein change: p.Met1469Ile; replaces methionine 1469 with isoleucine.
Molecular consequence: missense variant. On other transcripts: non-coding transcript variant (5).
Genome position (GRCh38, 1-based): chr22:31,901,773, G>A. VCF-style: chr22-31901773-G-A. GRCh37 (hg19) VCF-style: chr22-32297759-G-A.
Other names: c.4380G>A, p.Met1460Ile (NM_001136029.4); c.4107G>A, p.Met1369Ile (NM_001242897.2); c.4341G>A, p.Met1447Ile (NM_001363852.2, NM_001364320.2); c.4173G>A, p.Met1391Ile (NM_001363854.2, NM_001364319.2); c.4407G>A, p.Met1469Ile (NM_001364318.2); c.4323G>A, p.Met1441Ile (NM_001369901.1, NM_001369902.1); c.4314G>A, p.Met1438Ile (NM_001369903.1, NM_014662.6); short protein forms M1460I, M1438I, M1441I, M1369I, M1391I, M1447I, M1469I.
Identifiers: ClinVar variation 848961 (VCV000848961.10), dbSNP rs2093652679, ClinGen allele CA411290417.
Genomic context (GRCh38, chr22:31,901,773, plus strand): 5'-CCCAATATTTATTCTTATTTTCCTTTCAGGCTTTGAACCCGAAACGTACTGGGATCGAAT[G>A]CACCTCTTCCAGGAAGCCATTGCACACAGGTTTGTCCCTTAGCAAGTGTGAAGAGTGGGA-3'
Protein context (NP_001229825.1, residues 1459-1479): SFEPETYWDR[Met1469Ile]HLFQEAIAHR